The following is an entry in ClinVar:

NM_001378418.1(TCF20):c.1145G>A (p.Cys382Tyr)

Gene: TCF20 (transcription factor 20; minus strand). Cytogenetic location: 22q13.2.
Variant type: single nucleotide variant.
Coding change: c.1145G>A on transcript NM_001378418.1 (MANE Select); coding-DNA position 1145, G replaced by A.
Protein change: p.Cys382Tyr; replaces cysteine 382 with tyrosine.
Molecular consequence: missense variant.
Genome position (GRCh38, 1-based): chr22:42,214,161, C>T on the plus strand (G>A on the coding strand, the complement: TCF20 is on the minus strand). VCF-style: chr22-42214161-C-T. GRCh37 (hg19) VCF-style: chr22-42610167-C-T.
Other names: c.1145G>A, p.Cys382Tyr (NM_005650.4, NM_181492.3); short protein forms C382Y.
Identifiers: ClinVar variation 1898932 (VCV001898932.5), dbSNP rs762930856, ClinGen allele CA10267231.

ClinVar aggregate classification (germline): Uncertain significance (1 of 4 stars; one submission).

Allele frequency attached by ClinVar (database versions not stated): ExAC 0.00001; gnomAD exomes 0.00001.
gnomAD v4.1: 11 of 1,614,186 alleles (0.00068%); highest among the groups gnomAD compares: Middle Eastern, 0.082%; no homozygotes.

Submission:

Labcorp Genetics (formerly Invitae), Labcorp
Classification: Uncertain significance. Last evaluated: 2024-10-15. Review status: criteria provided, single submitter. Criteria: Invitae Variant Classification Sherloc (09022015). Collection method: clinical testing. Allele origin: germline.
Comment: This sequence change replaces cysteine, which is neutral and slightly polar, with tyrosine, which is neutral and polar, at codon 382 of the TCF20 protein (p.Cys382Tyr). This variant is present in population databases (rs762930856, gnomAD 0.0009%). This variant has not been reported in the literature in individuals affected with TCF20-related conditions. ClinVar contains an entry for this variant (Variation ID: 1898932). An algorithm developed to predict the effect of missense changes on protein structure and function (PolyPhen-2) suggests that this variant is likely to be disruptive. In summary, the available evidence is currently insufficient to determine the role of this variant in disease. Therefore, it has been classified as a Variant of Uncertain Significance.